The following is an entry in ClinVar:

NM_015627.3(LDLRAP1):c.599C>T (p.Thr200Ile)

Gene: LDLRAP1 (low density lipoprotein receptor adaptor protein 1; plus strand). Cytogenetic location: 1p36.11.
Variant type: single nucleotide variant.
Coding change: c.599C>T on transcript NM_015627.3 (MANE Select); coding-DNA position 599, C replaced by T.
Protein change: p.Thr200Ile; replaces threonine 200 with isoleucine.
Molecular consequence: missense variant.
Genome position (GRCh38, 1-based): chr1:25,563,136, C>T. VCF-style: chr1-25563136-C-T. GRCh37 (hg19) VCF-style: chr1-25889627-C-T.
Other names: short protein forms T200I.
Identifiers: ClinVar variation 1750936 (VCV001750936.9), dbSNP rs770098210, ClinGen allele CA695639.

ClinVar aggregate classification (germline): Uncertain significance. Review status: criteria provided, multiple submitters, no conflicts (2 of 4 stars). 5 submissions from 5 submitters: Uncertain significance (5). Last evaluated 2024-09-30.

Conditions:
Cardiovascular phenotype. Identifiers: MedGen CN230736.
Hypercholesterolemia, familial, 4 (FHCL4). Also called: HYPERCHOLESTEROLEMIA, AUTOSOMAL RECESSIVE, 1; HYPERCHOLESTEROLEMIA, AUTOSOMAL RECESSIVE, 2. Identifiers: Orphanet 391665, MedGen C1863512, MONDO:0011374, OMIM 603813.

Allele frequency attached by ClinVar (database versions not stated): TOPMed below 0.00001; gnomAD exomes 0.00001; ExAC 0.00003.
gnomAD v4.1: 12 of 1,613,788 alleles (0.00074%); highest among the groups gnomAD compares: Middle Eastern, 0.13%; no homozygotes.

Submissions (5):

Women's Health and Genetics/Laboratory Corporation of America, LabCorp
Classification: Uncertain significance. Last evaluated: 2024-09-30. Review status: criteria provided, single submitter. Criteria: LabCorp Variant Classification Summary - May 2015. Collection method: clinical testing. Allele origin: germline.
Comment: Variant summary: LDLRAP1 c.599C>T (p.Thr200Ile) results in a non-conservative amino acid change in the encoded protein sequence. Four of five in-silico tools predict a benign effect of the variant on protein function. The variant allele was found at a frequency of 2.4e-05 in 250418 control chromosomes. The available data on variant occurrences in the general population are insufficient to allow any conclusion about variant significance. To our knowledge, no occurrence of c.599C>T in individuals affected with Familial Hypercholesterolemia and no experimental evidence demonstrating its impact on protein function have been reported. ClinVar contains an entry for this variant (Variation ID: 1750936). Based on the evidence outlined above, the variant was classified as uncertain significance.

Labcorp Genetics (formerly Invitae), Labcorp
Classification: Uncertain significance for Hypercholesterolemia, familial, 4. Last evaluated: 2024-08-12. Review status: criteria provided, single submitter. Criteria: Invitae Variant Classification Sherloc (09022015). Collection method: clinical testing. Allele origin: germline.
Comment: This sequence change replaces threonine, which is neutral and polar, with isoleucine, which is neutral and non-polar, at codon 200 of the LDLRAP1 protein (p.Thr200Ile). This variant is present in population databases (rs770098210, gnomAD 0.003%). This variant has not been reported in the literature in individuals affected with LDLRAP1-related conditions. ClinVar contains an entry for this variant (Variation ID: 1750936). An algorithm developed to predict the effect of missense changes on protein structure and function (PolyPhen-2) suggests that this variant is likely to be tolerated. In summary, the available evidence is currently insufficient to determine the role of this variant in disease. Therefore, it has been classified as a Variant of Uncertain Significance.

Fulgent Genetics
Classification: Uncertain significance for Hypercholesterolemia, familial, 4. Last evaluated: 2024-01-25. Review status: criteria provided, single submitter. Criteria: ACMG Guidelines, 2015. Collection method: clinical testing. Allele origin: germline.

Ambry Genetics
Classification: Uncertain significance for Cardiovascular phenotype. Last evaluated: 2023-10-24. Review status: criteria provided, single submitter. Criteria: Ambry Variant Classification Scheme 2023. Collection method: clinical testing. Allele origin: germline.
Comment: The p.T200I variant (also known as c.599C>T), located in coding exon 6 of the LDLRAP1 gene, results from a C to T substitution at nucleotide position 599. The threonine at codon 200 is replaced by isoleucine, an amino acid with similar properties. This amino acid position is not well conserved in available vertebrate species. In addition, this alteration is predicted to be tolerated by in silico analysis. Since supporting evidence is limited at this time, the clinical significance of this alteration remains unclear.

Genome-Nilou Lab
Classification: Uncertain significance for Hypercholesterolemia, familial, 4. Last evaluated: 2023-04-11. Review status: criteria provided, single submitter. Criteria: ACMG Guidelines, 2015. Collection method: clinical testing. Allele origin: germline. Affected: no.